The following is an entry in ClinVar:

NM_003001.5(SDHC):c.99G>A (p.Thr33=)

Gene: SDHC (succinate dehydrogenase complex subunit C; plus strand). Cytogenetic location: 1q23.3.
Variant type: single nucleotide variant.
Coding change: c.99G>A on transcript NM_003001.5 (MANE Select); coding-DNA position 99, G replaced by A.
Protein change: p.Thr33=; no amino-acid change (threonine 33 retained).
Molecular consequence: synonymous variant. On other transcripts: 5 prime UTR variant (2), non-coding transcript variant (1), intron variant (4).
Genome position (GRCh38, 1-based): chr1:161,328,417, G>A. VCF-style: chr1-161328417-G-A. GRCh37 (hg19) VCF-style: chr1-161298207-G-A.
Other names: c.99G>A, p.Thr33= (NM_001035511.3, NM_001407115.1); c.42G>A, p.Thr14= (NM_001407116.1, NM_001407117.1, NM_001407121.1); c.-13G>A (NM_001407119.1, NM_001407120.1); c.77+4747G>A (NM_001035512.3, NM_001278172.3, NM_001407118.1); c.21-12177G>A (NM_001035513.3).
Identifiers: ClinVar variation 486428 (VCV000486428.42), dbSNP rs145535502, ClinGen allele CA048713.

ClinVar aggregate classification (germline): Conflicting classifications of pathogenicity. Review status: criteria provided, conflicting classifications (1 of 4 stars). 7 submissions from 7 submitters: Uncertain significance (1); Benign (1); Likely benign (5). Last evaluated 2025-12-02.

Conditions:
SDHC-related disorder. Also called: SDHC-related condition.
Pheochromocytoma/paraganglioma syndrome 3. Also called: GLOMUS TUMORS, FAMILIAL, 3; SDHC-Related Hereditary Paraganglioma-Pheochromocytoma Syndrome (Paragangliomas 3); SDHC-Related Hereditary Paraganglioma-Pheochromocytoma Syndrome; Paragangliomas 3. Identifiers: Orphanet 29072, MedGen C1854336, MONDO:0011544, OMIM 605373.
Gastrointestinal stromal tumor. Also called: Gastrointestinal stroma tumor; Gastrointestinal stromal tumor, somatic. Identifiers: Orphanet 44890, MedGen C0238198, MeSH D046152, MONDO:0011719, OMIM 606764, HP:0100723.
Hereditary cancer-predisposing syndrome. Also called: Hereditary neoplastic syndrome; Neoplastic Syndromes, Hereditary; Hereditary Cancer Syndrome; Tumor predisposition. Identifiers: Orphanet 140162, MedGen C0027672, MeSH D009386, MONDO:0015356.
Hereditary pheochromocytoma and paraganglioma. Also called: Hereditary pheochromocytoma-paraganglioma; Hereditary Paraganglioma-Pheochromocytoma Syndromes; Hereditary paragangliomas and pheochromocytomas. Identifiers: Orphanet 29072, MedGen C4274332, MONDO:0017366.

Allele frequency attached by ClinVar (database versions not stated): ExAC 0.00001; TOPMed 0.00001; gnomAD exomes 0.00003.
gnomAD v4.1: 15 of 1,613,072 alleles (0.00093%); highest among the groups gnomAD compares: East Asian, 0.0045%; no homozygotes.

Submissions (7):

Labcorp Genetics (formerly Invitae), Labcorp
Classification: Likely benign for Pheochromocytoma/paraganglioma syndrome 3; Gastrointestinal stromal tumor. Last evaluated: 2025-12-02. Review status: criteria provided, single submitter. Criteria: Invitae Variant Classification Sherloc (09022015). Collection method: clinical testing. Allele origin: germline.

Myriad Genetics, Inc.
Classification: Benign for Pheochromocytoma/paraganglioma syndrome 3. Last evaluated: 2025-03-14. Review status: criteria provided, single submitter. Criteria: Myriad Autosomal Dominant, Autosomal Recessive and X-Linked Classification Criteria (2023). Collection method: clinical testing. Allele origin: unknown.
Comment: This variant is considered benign. This variant is a silent/synonymous amino acid change and it is not expected to impact splicing.

Color Diagnostics, LLC DBA Color Health
Classification: Likely benign for Hereditary pheochromocytoma and paraganglioma. Last evaluated: 2023-11-22. Review status: criteria provided, single submitter. Criteria: ACMG Guidelines, 2015. Collection method: clinical testing. Allele origin: germline.

CeGaT Center for Human Genetics Tuebingen
Classification: Likely benign. Last evaluated: 2023-10-01. Review status: criteria provided, single submitter. Criteria: CeGaT Center For Human Genetics Tuebingen Variant Classification Criteria Version 2. Collection method: clinical testing. Allele origin: germline. Affected: yes. Observed: 1 variant allele.
Comment: SDHC: BP4, BP7

PreventionGenetics, part of Exact Sciences
Classification: Uncertain significance for SDHC-related condition. Last evaluated: 2023-05-10. Review status: criteria provided, single submitter. Criteria: ACMG Guidelines, 2015. Collection method: clinical testing. Allele origin: germline.
Comment: The SDHC c.99G>A variant is not predicted to result in an amino acid change (p.=). To our knowledge, this variant has not been reported in the literature. This variant is predicted to interfere with splicing. This variant is reported in 0.011% of alleles in individuals of East Asian descent in gnomAD. In ClinVar, this variant is interpreted as likely benign. Although we suspect that this variant may be benign, at this time, the clinical significance of this variant is uncertain due to the absence of conclusive functional and genetic evidence.

GeneDx
Classification: Likely benign. Last evaluated: 2018-04-20. Review status: criteria provided, single submitter. Criteria: GeneDx Variant Classification Process June 2021. Collection method: clinical testing. Allele origin: germline. Affected: yes.

Ambry Genetics
Classification: Likely benign for Hereditary cancer-predisposing syndrome. Last evaluated: 2015-08-14. Review status: criteria provided, single submitter. Criteria: Ambry Variant Classification Scheme 2023. Collection method: clinical testing. Allele origin: germline.